The following is an entry in ClinVar:

ClinVar aggregate classification (germline): Likely benign. Review status: criteria provided, multiple submitters, no conflicts (2 of 4 stars). 2 submissions from 2 submitters: Likely benign (2). Last evaluated 2024-10-09.

Allele frequency attached by ClinVar (database versions not stated): ExAC 0.00008; gnomAD exomes 0.00015; TOPMed 0.00015; 1000 Genomes Project 30x 0.00016; gnomAD 0.00019.
gnomAD v4.1: 544 of 1,555,400 alleles (0.035%); highest among the groups gnomAD compares: Non-Finnish European, 0.044%; no homozygotes.

Submissions (2):

Blueprint Genetics
Classification: Likely benign. Last evaluated: 2024-10-09. Review status: criteria provided, single submitter. Criteria: ACMG Guidelines, 2015. Collection method: clinical testing. Allele origin: germline.

CeGaT Center for Human Genetics Tuebingen
Classification: Likely benign. Last evaluated: 2023-05-01. Review status: criteria provided, single submitter. Criteria: CeGaT Center For Human Genetics Tuebingen Variant Classification Criteria Version 2. Collection method: clinical testing. Allele origin: germline. Affected: yes. Observed: 2 variant alleles.
Comment: TRIO: BP4, BP7

NM_007118.4(TRIO):c.7350G>A (p.Arg2450=)

Gene: TRIO (trio Rho guanine nucleotide exchange factor; plus strand). Cytogenetic location: 5p15.2.
Variant type: single nucleotide variant.
Coding change: c.7350G>A on transcript NM_007118.4 (MANE Select); coding-DNA position 7350, G replaced by A.
Protein change: p.Arg2450=; no amino-acid change (arginine 2450 retained).
Molecular consequence: synonymous variant.
Genome position (GRCh38, 1-based): chr5:14,487,978, G>A. VCF-style: chr5-14487978-G-A. GRCh37 (hg19) VCF-style: chr5-14488087-G-A.
Identifiers: ClinVar variation 1176488 (VCV001176488.36), dbSNP rs760522101, ClinGen allele CA3207378.